The following is an entry in ClinVar:

ClinVar aggregate classification (germline): Pathogenic (1 of 4 stars; one submission).

Conditions:
Brachyolmia-amelogenesis imperfecta syndrome. Also called: Tooth agenesis, selective, 6; Dental anomalies and short stature; PLATYSPONDYLY WITH AMELOGENESIS IMPERFECTA. Identifiers: Orphanet 2899, MedGen C1832594, MONDO:0011018, OMIM 601216. Disease mechanism: loss of function.

Submission:

Center of Excellence in Precision Medicine and Digital Health (CEPMDH), Faculty of Dentistry, Chulalongkorn University
Classification: Pathogenic for Brachyolmia-amelogenesis imperfecta syndrome. Review status: criteria provided, single submitter. Criteria: ACMG Guidelines, 2015. Collection method: clinical testing. Allele origin: germline. Inheritance: Autosomal recessive inheritance. Affected: no and yes. Observed: 3 variant alleles, 2 heterozygotes, 1 homozygote.
Comment: A homozygous splice site mutation, c.1721-2A>G, in splice site acceptor (SSA) region before exon 12 of LTBP3 gene was identified in a patient with dental anomalies and short stature (DASS).

Literature cited by the submitters: PubMed 30887145.

NM_001130144.3(LTBP3):c.1721-2A>G

Gene: LTBP3 (latent transforming growth factor beta binding protein 3; minus strand). Cytogenetic location: 11q13.1.
Variant type: single nucleotide variant.
Coding change: c.1721-2A>G on transcript NM_001130144.3 (MANE Select); the canonical splice acceptor site of the intron before coding-DNA position 1721, A replaced by G.
Molecular consequence: splice acceptor variant.
Genome position (GRCh38, 1-based): chr11:65,548,047, T>C on the plus strand (A>G on the coding strand, the complement: LTBP3 is on the minus strand). VCF-style: chr11-65548047-T-C. GRCh37 (hg19) VCF-style: chr11-65315518-T-C.
Other names: c.1370-2A>G (NM_001164266.1); c.1721-2A>G (NM_021070.4).
Identifiers: ClinVar variation 1327507 (VCV001327507.2), dbSNP rs2135143557, ClinGen allele CA381272200.
Genomic context (GRCh38, chr11:65,548,047, plus strand): 5'-GCCCGGCACGCACTCTCCGTGGCCACAGATGTTCTGGTTCAGTCGGCACTCATCAGTCTC[T>C]GCGGGCATGGCCAGGTCAAGCGGCAGAGCAGGGAGCGCTCACCTTCTGCCATATCCCCAG-3'